The following is an entry in ClinVar:

NM_001195305.3(BBIP1):c.38-6223G>T

Gene: BBIP1 (BBSome interacting protein 1; minus strand). Cytogenetic location: 10q25.2.
Variant type: single nucleotide variant.
Coding change: c.38-6223G>T on transcript NM_001195305.3 (MANE Select); 6223 bases into the intron before coding-DNA position 38, G replaced by T.
Molecular consequence: intron variant. On other transcripts: synonymous variant (1).
Genome position (GRCh38, 1-based): chr10:110,907,835, C>A on the plus strand (G>T on the coding strand, the complement: BBIP1 is on the minus strand). VCF-style: chr10-110907835-C-A. GRCh37 (hg19) VCF-style: chr10-112667593-C-A.
Other names: c.39G>T, p.Gly13= (NM_001195304.2); c.38-6223G>T (NM_001195306.2); c.-29-6223G>T (NM_001243783.3); c.38-7309G>T (NM_001195307.2).
Identifiers: ClinVar variation 5001704 (VCV005001704.1).

ClinVar aggregate classification (germline): Uncertain significance (1 of 4 stars; one submission).

Conditions:
BBIP1-related disorder. Also called: BBIP1-related condition.

gnomAD v4.1: 1 of 682,320 alleles (0.00015%); highest among the groups gnomAD compares: Non-Finnish European, 0.00026%; no homozygotes.

Submission:

PreventionGenetics, part of Exact Sciences
Classification: Uncertain significance for BBIP1-related condition. Last evaluated: 2024-12-20. Review status: criteria provided, single submitter. Criteria: ACMG Guidelines, 2015. Collection method: clinical testing. Allele origin: germline.
Comment: The BBIP1 c.39G>T variant is not predicted to result in an amino acid change (p.=). To our knowledge, this variant has not been reported in the literature or in a large population database (gnomAD), indicating this variant is rare. This variant is predicted to alter splicing based on available splicing prediction programs (SpliceAI, Jaganathan et al. 2019. PubMed ID: 30661751). However, the use of computer prediction programs is not equivalent to functional evidence. At this time, the clinical significance of this variant is uncertain due to the absence of conclusive functional and genetic evidence.